The following is an entry in ClinVar:

ClinVar aggregate classification (germline): Pathogenic (1 of 4 stars; one submission).

Conditions:
Insulin-dependent diabetes mellitus secretory diarrhea syndrome (IPEX). Also called: DIABETES MELLITUS, CONGENITAL INSULIN-DEPENDENT, WITH FATAL SECRETORY DIARRHEA; DIARRHEA, POLYENDOCRINOPATHY, FATAL INFECTION SYNDROME, X-LINKED; ENTEROPATHY, AUTOIMMUNE, WITH HEMOLYTIC ANEMIA AND POLYENDOCRINOPATHY; IPEX and IPEX-Like; X-Linked Autoimmunity-Allergic Dysregulation Syndrome; Immune dysregulation-polyendocrinopathy-enteropathy-X-linked syndrome. Identifiers: Orphanet 37042, MedGen C0342288, MONDO:0010580, OMIM 304790. Disease mechanism: loss of function.

Submission:

Labcorp Genetics (formerly Invitae), Labcorp
Classification: Pathogenic for Insulin-dependent diabetes mellitus secretory diarrhea syndrome. Last evaluated: 2022-03-08. Review status: criteria provided, single submitter. Criteria: Invitae Variant Classification Sherloc (09022015). Collection method: clinical testing. Allele origin: germline.
Comment: This sequence change affects an acceptor splice site in intron 7 of the FOXP3 gene. It is expected to disrupt RNA splicing. Variants that disrupt the donor or acceptor splice site typically lead to a loss of protein function (PMID: 16199547), and loss-of-function variants in FOXP3 are known to be pathogenic (PMID: 11137992, 11137993). This variant is not present in population databases (gnomAD no frequency). Disruption of this splice site has been observed in individuals with immunodysregulation, polyendocrinopathy, and enteropathy (IPEX syndrome) (PMID: 18795917, 26748735, 30385752). Algorithms developed to predict the effect of sequence changes on RNA splicing suggest that this variant may disrupt the consensus splice site. For these reasons, this variant has been classified as Pathogenic.

Literature cited by the submitters: PubMed 16199547; PubMed 11137992; PubMed 11137993; PubMed 18795917; PubMed 26748735; PubMed 30385752.

NM_014009.4(FOXP3):c.736-2A>T

Gene: FOXP3 (forkhead box P3; minus strand). Cytogenetic location: Xp11.23.
Variant type: single nucleotide variant.
Coding change: c.736-2A>T on transcript NM_014009.4 (MANE Select); the canonical splice acceptor site of the intron before coding-DNA position 736, A replaced by T.
Molecular consequence: splice acceptor variant.
Genome position (GRCh38, 1-based): chrX:49,255,511, T>A on the plus strand (A>T on the coding strand, the complement: FOXP3 is on the minus strand). VCF-style: chrX-49255511-T-A. GRCh37 (hg19) VCF-style: chrX-49111972-T-A.
Other names: c.631-2A>T (NM_001114377.2).
Identifiers: ClinVar variation 1460125 (VCV001460125.8), dbSNP rs2147947315, ClinGen allele CA412951039.